The following is an entry in ClinVar:

NM_004360.5(CDH1):c.2611A>G (p.Lys871Glu)

Gene: CDH1 (cadherin 1; plus strand). Cytogenetic location: 16q22.1.
Variant type: single nucleotide variant.
Coding change: c.2611A>G on transcript NM_004360.5 (MANE Select); coding-DNA position 2611, A replaced by G.
Protein change: p.Lys871Glu; replaces lysine 871 with glutamic acid.
Molecular consequence: missense variant.
Genome position (GRCh38, 1-based): chr16:68,833,461, A>G. VCF-style: chr16-68833461-A-G. GRCh37 (hg19) VCF-style: chr16-68867364-A-G.
Other names: c.2428A>G, p.Lys810Glu (NM_001317184.2); c.1063A>G, p.Lys355Glu (NM_001317185.2); c.646A>G, p.Lys216Glu (NM_001317186.2); short protein forms K355E, K810E, K871E, K216E.
Identifiers: ClinVar variation 5033926 (VCV005033926.1).

ClinVar aggregate classification (germline): Uncertain significance (1 of 4 stars; one submission).

Conditions:
Hereditary cancer-predisposing syndrome. Also called: Neoplastic Syndromes, Hereditary; Tumor predisposition; Hereditary neoplastic syndrome; Hereditary Cancer Syndrome. Identifiers: Orphanet 140162, MedGen C0027672, MeSH D009386, MONDO:0015356.

Submission:

Ambry Genetics
Classification: Uncertain significance for Hereditary cancer-predisposing syndrome. Last evaluated: 2026-07-06. Review status: criteria provided, single submitter. Criteria: Ambry Variant Classification Scheme 2023. Collection method: clinical testing. Allele origin: germline.
Comment: The p.K871E variant (also known as c.2611A>G), located in coding exon 16 of the CDH1 gene, results from an A to G substitution at nucleotide position 2611. The lysine at codon 871 is replaced by glutamic acid, an amino acid with similar properties. This amino acid position is conserved. In addition, this alteration is predicted to be deleterious by in silico analysis. Based on the available evidence, the clinical significance of this variant remains unclear.